The following is an entry in ClinVar:

ClinVar aggregate classification (germline): Uncertain significance. Review status: criteria provided, multiple submitters, no conflicts (2 of 4 stars). 3 submissions from 3 submitters: Uncertain significance (3). Last evaluated 2025-04-04.

Conditions:
Hereditary cancer-predisposing syndrome. Also called: Hereditary neoplastic syndrome; Neoplastic Syndromes, Hereditary; Tumor predisposition; Hereditary Cancer Syndrome. Identifiers: Orphanet 140162, MedGen C0027672, MeSH D009386, MONDO:0015356.

Allele frequency attached by ClinVar (database versions not stated): gnomAD exomes 0.00002; TOPMed 0.00008.

Submissions (3):

Ambry Genetics
Classification: Uncertain significance for Hereditary cancer-predisposing syndrome. Last evaluated: 2025-04-04. Review status: criteria provided, single submitter. Criteria: Ambry Variant Classification Scheme 2023. Collection method: clinical testing. Allele origin: germline.
Comment: The p.F119I variant (also known as c.355T>A), located in coding exon 5 of the POLE gene, results from a T to A substitution at nucleotide position 355. The phenylalanine at codon 119 is replaced by isoleucine, an amino acid with highly similar properties. This amino acid position is conserved. In addition, this alteration is predicted to be tolerated by in silico analysis. Based on the available evidence, the clinical significance of this variant remains unclear.

GeneDx
Classification: Uncertain significance. Last evaluated: 2024-03-01. Review status: criteria provided, single submitter. Criteria: GeneDx Variant Classification Process June 2021. Collection method: clinical testing. Allele origin: germline. Affected: yes.
Comment: Has not been previously published as pathogenic or benign to our knowledge; Not observed at significant frequency in large population cohorts (gnomAD); In silico analysis is inconclusive as to whether the variant alters gene splicing. In the absence of RNA/functional studies, the actual effect of this sequence change is unknown.; In silico analysis supports that this missense variant has a deleterious effect on protein structure/function

Labcorp Genetics (formerly Invitae), Labcorp
Classification: Uncertain significance. Last evaluated: 2023-01-30. Review status: criteria provided, single submitter. Criteria: Invitae Variant Classification Sherloc (09022015). Collection method: clinical testing. Allele origin: germline.
Comment: ClinVar contains an entry for this variant (Variation ID: 246390). This variant has not been reported in the literature in individuals affected with POLE-related conditions. This variant is present in population databases (no rsID available, gnomAD 0.01%). This sequence change replaces phenylalanine, which is neutral and non-polar, with isoleucine, which is neutral and non-polar, at codon 119 of the POLE protein (p.Phe119Ile). Advanced modeling of protein sequence and biophysical properties (such as structural, functional, and spatial information, amino acid conservation, physicochemical variation, residue mobility, and thermodynamic stability) has been performed at Invitae for this missense variant, however the output from this modeling did not meet the statistical confidence thresholds required to predict the impact of this variant on POLE protein function. In summary, the available evidence is currently insufficient to determine the role of this variant in disease. Therefore, it has been classified as a Variant of Uncertain Significance. Algorithms developed to predict the effect of sequence changes on RNA splicing suggest that this variant may disrupt the consensus splice site.

NM_006231.4(POLE):c.355T>A (p.Phe119Ile)

Gene: POLE (DNA polymerase epsilon, catalytic subunit; minus strand). Cytogenetic location: 12q24.33.
Variant type: single nucleotide variant.
Coding change: c.355T>A on transcript NM_006231.4 (MANE Select); coding-DNA position 355, T replaced by A.
Protein change: p.Phe119Ile; replaces phenylalanine 119 with isoleucine.
Molecular consequence: missense variant.
Genome position (GRCh38, 1-based): chr12:132,680,022, A>T on the plus strand (T>A on the coding strand, the complement: POLE is on the minus strand). VCF-style: chr12-132680022-A-T. GRCh37 (hg19) VCF-style: chr12-133256608-A-T.
Other names: short protein forms F119I.
Identifiers: ClinVar variation 246390 (VCV000246390.12), dbSNP rs879254235, ClinGen allele CA10584415.
Genomic context (GRCh38, chr12:132,680,022, plus strand): 5'-GATCCTCTTTGGGGACAGTCTCCACTTTTGCAATTTTGCCCTGAAACTTCTTGGAGAGAA[A>T]AGATGAAACTTCTCGCTCACAACCCTAATCAGGATCAGAATGAAAAGGCTTTCCATTGGT-3'
Protein context (NP_006222.2, residues 109-129): RKGCEREVSS[Phe119Ile]LSKKFQGKIA